The following is an entry in ClinVar:

NM_001370259.2(MEN1):c.367G>A (p.Asp123Asn)

Gene: MEN1 (menin 1; minus strand). Cytogenetic location: 11q13.1.
Variant type: single nucleotide variant.
Coding change: c.367G>A on transcript NM_001370259.2 (MANE Select); coding-DNA position 367, G replaced by A.
Protein change: p.Asp123Asn; replaces aspartic acid 123 with asparagine.
Molecular consequence: missense variant.
Genome position (GRCh38, 1-based): chr11:64,809,743, C>T on the plus strand (G>A on the coding strand, the complement: MEN1 is on the minus strand). VCF-style: chr11-64809743-C-T. GRCh37 (hg19) VCF-style: chr11-64577215-C-T.
Other names: c.367G>A, p.Asp123Asn (NM_130801.3, NM_130802.3, NM_000244.4 and 9 more transcripts); c.367G>A (NM_130799.2); short protein forms D123N.
Identifiers: ClinVar variation 1510715 (VCV001510715.10), dbSNP rs1941982745, ClinGen allele CA381187319.

ClinVar aggregate classification (germline): Uncertain significance. Review status: criteria provided, multiple submitters, no conflicts (2 of 4 stars). 3 submissions from 3 submitters: Uncertain significance (3). Last evaluated 2025-07-07.

Conditions:
Hereditary cancer-predisposing syndrome. Also called: Neoplastic Syndromes, Hereditary; Hereditary Cancer Syndrome; Tumor predisposition; Hereditary neoplastic syndrome. Identifiers: Orphanet 140162, MedGen C0027672, MeSH D009386, MONDO:0015356.
Multiple endocrine neoplasia, type 1 (MEN1). Also called: Endocrine adenomatosis multiple; MEN 1; MEA I; MEN I; WERMER SYNDROME. Identifiers: Orphanet 652, MedGen C0025267, MeSH D018761, MONDO:0007540, OMIM 131100.

Allele frequency attached by ClinVar (database versions not stated): gnomAD exomes below 0.00001; TOPMed below 0.00001.

Submissions (3):

Ambry Genetics
Classification: Uncertain significance for Hereditary cancer-predisposing syndrome. Last evaluated: 2025-07-07. Review status: criteria provided, single submitter. Criteria: Ambry Variant Classification Scheme 2023. Collection method: clinical testing. Allele origin: germline.
Comment: The p.D123N variant (also known as c.367G>A), located in coding exon 1 of the MEN1 gene, results from a G to A substitution at nucleotide position 367. The aspartic acid at codon 123 is replaced by asparagine, an amino acid with highly similar properties. This amino acid position is highly conserved in available vertebrate species. In addition, the in silico prediction for this alteration is inconclusive. Based on the available evidence, the clinical significance of this variant remains unclear.

Baylor Genetics
Classification: Uncertain significance for Multiple Endocrine Neoplasia Type 1. Last evaluated: 2023-11-21. Review status: criteria provided, single submitter. Criteria: ACMG Guidelines, 2015. Collection method: clinical testing. Allele origin: unknown.

Labcorp Genetics (formerly Invitae), Labcorp
Classification: Uncertain significance for Multiple endocrine neoplasia, type 1. Last evaluated: 2021-05-13. Review status: criteria provided, single submitter. Criteria: Invitae Variant Classification Sherloc (09022015). Collection method: clinical testing. Allele origin: germline.
Comment: In summary, the available evidence is currently insufficient to determine the role of this variant in disease. Therefore, it has been classified as a Variant of Uncertain Significance. Advanced modeling of protein sequence and biophysical properties (such as structural, functional, and spatial information, amino acid conservation, physicochemical variation, residue mobility, and thermodynamic stability) performed at Invitae indicates that this missense variant is expected to disrupt MEN1 protein function. This variant has not been reported in the literature in individuals with MEN1-related conditions. This variant is not present in population databases (ExAC no frequency). This sequence change replaces aspartic acid with asparagine at codon 123 of the MEN1 protein (p.Asp123Asn). The aspartic acid residue is highly conserved and there is a small physicochemical difference between aspartic acid and asparagine.